The following is an entry in ClinVar:

NM_015160.3(PMPCA):c.1287G>A (p.Thr429=)

Gene: PMPCA (peptidase, mitochondrial processing subunit alpha; plus strand). Cytogenetic location: 9q34.3.
Variant type: single nucleotide variant.
Coding change: c.1287G>A on transcript NM_015160.3 (MANE Select); coding-DNA position 1287, G replaced by A.
Protein change: p.Thr429=; no amino-acid change (threonine 429 retained).
Molecular consequence: synonymous variant.
Genome position (GRCh38, 1-based): chr9:136,421,855, G>A. VCF-style: chr9-136421855-G-A. GRCh37 (hg19) VCF-style: chr9-139316307-G-A.
Other names: c.894G>A, p.Thr298= (NM_001282944.2); c.987G>A, p.Thr329= (NM_001282946.2).
Identifiers: ClinVar variation 735852 (VCV000735852.19), dbSNP rs376312798, ClinGen allele CA5336440.
Genomic context (GRCh38, chr9:136,421,855, plus strand): 5'-GCGGGTGTGTGCTCACCTGACTGGACCCTGGCCCCAGGTGGAGCTGGAACGAGCCAAGAC[G>A]CAGCTGACATCAATGCTCATGATGAACCTGGAATCCAGGCCTGTGATCTTCGAGGATGTG-3'
Protein context (NP_055975.1, residues 419-439): VDTVELERAK[Thr429=]QLTSMLMMNL

ClinVar aggregate classification (germline): Likely benign. Review status: criteria provided, multiple submitters, no conflicts (2 of 4 stars). 2 submissions from 2 submitters: Likely benign (2). Last evaluated 2024-12-01.

Allele frequency attached by ClinVar (database versions not stated): TOPMed 0.00002; ExAC 0.00003; gnomAD exomes 0.00004 and 0.00006; gnomAD 0.00006; ESP Exome Variant Server 0.00008.
gnomAD v4.1: 84 of 1,599,274 alleles (0.0053%); highest among the groups gnomAD compares: East Asian, 0.027%; no homozygotes.

Submissions (2):

CeGaT Center for Human Genetics Tuebingen
Classification: Likely benign. Last evaluated: 2024-12-01. Review status: criteria provided, single submitter. Criteria: CeGaT Center For Human Genetics Tuebingen Variant Classification Criteria Version 2. Collection method: clinical testing. Allele origin: germline. Affected: yes. Observed: 1 variant allele.
Comment: PMPCA: BP4, BP7

Labcorp Genetics (formerly Invitae), Labcorp
Classification: Likely benign. Last evaluated: 2023-07-19. Review status: criteria provided, single submitter. Criteria: Invitae Variant Classification Sherloc (09022015). Collection method: clinical testing. Allele origin: germline.